The following is an entry in ClinVar:

NM_000052.7(ATP7A):c.1621A>G (p.Met541Val)

Gene: ATP7A (ATPase copper transporting alpha; plus strand). Cytogenetic location: Xq21.1.
Variant type: single nucleotide variant.
Coding change: c.1621A>G on transcript NM_000052.7 (MANE Select); coding-DNA position 1621, A replaced by G.
Protein change: p.Met541Val; replaces methionine 541 with valine.
Molecular consequence: missense variant.
Genome position (GRCh38, 1-based): chrX:78,003,150, A>G. VCF-style: chrX-78003150-A-G. GRCh37 (hg19) VCF-style: chrX-77258647-A-G.
Other names: c.1621A>G, p.Met541Val (NM_001282224.2); short protein forms M541V.
Identifiers: ClinVar variation 444817 (VCV000444817.48), dbSNP rs1557233382, ClinGen allele CA413595332.

ClinVar aggregate classification (germline): Uncertain significance. Review status: criteria provided, multiple submitters, no conflicts (2 of 4 stars). 2 submissions from 2 submitters: Uncertain significance (2). Last evaluated 2024-11-01.

Conditions:
Menkes kinky-hair syndrome (MNK). Also called: Copper transport disease; Menkes Disease; Classic Menkes Disease. Identifiers: Orphanet 565, MedGen C0022716, MONDO:0010651, OMIM 309400.
X-linked distal spinal muscular atrophy type 3. Also called: NEURONOPATHY, DISTAL HEREDITARY MOTOR, X-LINKED; NEUROPATHY, DISTAL HEREDITARY MOTOR, X-LINKED; ATP7A-Related Distal Motor Neuropathy; SPINAL MUSCULAR ATROPHY, DISTAL, X-LINKED RECESSIVE. Identifiers: Orphanet 139557, MedGen C1845359, MONDO:0010338, OMIM 300489.
Cutis laxa, X-linked (OHS). Also called: Occipital horn syndrome; EDS IX. Identifiers: Orphanet 198, MedGen C0268353, MONDO:0010572, OMIM 304150.

Allele frequency attached by ClinVar (database versions not stated): gnomAD exomes below 0.00001.
gnomAD v4.1: 1 of 1,208,648 alleles (0.000083%); highest among the groups gnomAD compares: Non-Finnish European, 0.00011%; no homozygotes.

Submissions (2):

CeGaT Center for Human Genetics Tuebingen
Classification: Uncertain significance. Last evaluated: 2024-11-01. Review status: criteria provided, single submitter. Criteria: CeGaT Center For Human Genetics Tuebingen Variant Classification Criteria Version 2. Collection method: clinical testing. Allele origin: germline. Affected: yes. Observed: 4 variant alleles.
Comment: ATP7A: PM2, BP4

Labcorp Genetics (formerly Invitae), Labcorp
Classification: Uncertain significance for X-linked distal spinal muscular atrophy type 3; Cutis laxa, X-linked; Menkes kinky-hair syndrome. Last evaluated: 2021-10-28. Review status: criteria provided, single submitter. Criteria: Invitae Variant Classification Sherloc (09022015). Collection method: clinical testing. Allele origin: germline.
Comment: This variant is not present in population databases (gnomAD no frequency). In summary, the available evidence is currently insufficient to determine the role of this variant in disease. Therefore, it has been classified as a Variant of Uncertain Significance. Algorithms developed to predict the effect of sequence changes on RNA splicing suggest that this variant may create or strengthen a splice site. Advanced modeling of protein sequence and biophysical properties (such as structural, functional, and spatial information, amino acid conservation, physicochemical variation, residue mobility, and thermodynamic stability) performed at Invitae indicates that this missense variant is not expected to disrupt ATP7A protein function. ClinVar contains an entry for this variant (Variation ID: 444817). This variant has not been reported in the literature in individuals affected with ATP7A-related conditions. This sequence change replaces methionine, which is neutral and non-polar, with valine, which is neutral and non-polar, at codon 541 of the ATP7A protein (p.Met541Val).